The following is an entry in ClinVar:

NM_033305.3(VPS13A):c.7253A>G (p.Asn2418Ser)

Gene: VPS13A (vacuolar protein sorting 13 homolog A; plus strand). Cytogenetic location: 9q21.2.
Variant type: single nucleotide variant.
Coding change: c.7253A>G on transcript NM_033305.3 (MANE Select); coding-DNA position 7253, A replaced by G.
Protein change: p.Asn2418Ser; replaces asparagine 2418 with serine.
Molecular consequence: missense variant.
Genome position (GRCh38, 1-based): chr9:77,345,106, A>G. VCF-style: chr9-77345106-A-G. GRCh37 (hg19) VCF-style: chr9-79960022-A-G.
Other names: c.7136A>G, p.Asn2379Ser (NM_001018037.2); c.7253A>G, p.Asn2418Ser (NM_001018038.3, NM_015186.4); short protein forms N2379S, N2418S.
Identifiers: ClinVar variation 2917688 (VCV002917688.3), dbSNP rs1831076152, ClinGen allele CA373853652.

ClinVar aggregate classification (germline): Likely pathogenic (1 of 4 stars; one submission).

Allele frequency attached by ClinVar (database versions not stated): gnomAD exomes below 0.00001; TOPMed below 0.00001; gnomAD 0.00001.
gnomAD v4.1: 2 of 1,613,182 alleles (0.00012%); highest among the groups gnomAD compares: Admixed American, 0.0017%; no homozygotes.

Submission:

Labcorp Genetics (formerly Invitae), Labcorp
Classification: Likely pathogenic. Last evaluated: 2024-01-15. Review status: criteria provided, single submitter. Criteria: Invitae Variant Classification Sherloc (09022015). Collection method: clinical testing. Allele origin: germline.
Comment: This sequence change replaces asparagine, which is neutral and polar, with serine, which is neutral and polar, at codon 2418 of the VPS13A protein (p.Asn2418Ser). This variant is not present in population databases (gnomAD no frequency). This missense change has been observed in individual(s) with choreoacanthocytosis (Invitae). In at least one individual the data is consistent with being in trans (on the opposite chromosome) from a pathogenic variant. It has also been observed to segregate with disease in related individuals. Advanced modeling of protein sequence and biophysical properties (such as structural, functional, and spatial information, amino acid conservation, physicochemical variation, residue mobility, and thermodynamic stability) performed at Invitae indicates that this missense variant is expected to disrupt VPS13A protein function with a positive predictive value of 80%. In summary, the currently available evidence indicates that the variant is pathogenic, but additional data are needed to prove that conclusively. Therefore, this variant has been classified as Likely Pathogenic.